The following is an entry in ClinVar:

NM_058174.3(COL6A2):c.2745G>C (p.Leu915=)

Gene: COL6A2 (collagen type VI alpha 2 chain; plus strand). Cytogenetic location: 21q22.3.
Variant type: single nucleotide variant.
Coding change: c.2745G>C on transcript NM_058174.3 (MANE Plus Clinical); coding-DNA position 2745, G replaced by C.
Protein change: p.Leu915=; no amino-acid change (leucine 915 retained).
Molecular consequence: synonymous variant. On other transcripts: 3 prime UTR variant (1), intron variant (1).
Genome position (GRCh38, 1-based): chr21:46,129,479, G>C. VCF-style: chr21-46129479-G-C. GRCh37 (hg19) VCF-style: chr21-47549393-G-C.
Other names: c.*551G>C (NM_058175.3); c.2462-2475G>C (NM_001849.4).
Identifiers: ClinVar variation 3039378 (VCV003039378.3), dbSNP rs553306558, ClinGen allele CA10072851.

ClinVar aggregate classification (germline): Likely benign. Review status: criteria provided, single submitter (1 of 4 stars). 2 submissions from 2 submitters: Likely benign (1). 1 of the submissions does not count toward it. Last evaluated 2024-07-09.

Conditions:
COL6A2-related disorder.

Allele frequency attached by ClinVar (database versions not stated): ExAC 0.00029.
gnomAD v4.1: 219 of 1,586,844 alleles (0.014%); highest among the groups gnomAD compares: South Asian, 0.19%; 2 homozygotes.

Submissions (2):

Blueprint Genetics
Classification: Likely benign. Last evaluated: 2024-07-09. Review status: criteria provided, single submitter. Criteria: ACMG Guidelines, 2015. Collection method: clinical testing. Allele origin: germline.

PreventionGenetics, part of Exact Sciences
Classification: Likely benign for COL6A2-related condition. Last evaluated: 2019-02-21. Review status: no assertion criteria provided. Collection method: clinical testing. Allele origin: germline. Not counted in ClinVar's aggregate classification.
Comment: This variant is classified as likely benign based on ACMG/AMP sequence variant interpretation guidelines (Richards et al. 2015 PMID: 25741868, with internal and published modifications).